The following is an entry in ClinVar:

NM_014043.4(CHMP2B):c.218C>T (p.Thr73Met)

Gene: CHMP2B (charged multivesicular body protein 2B; plus strand). Cytogenetic location: 3p11.2.
Variant type: single nucleotide variant.
Coding change: c.218C>T on transcript NM_014043.4 (MANE Select); coding-DNA position 218, C replaced by T.
Protein change: p.Thr73Met; replaces threonine 73 with methionine.
Molecular consequence: missense variant.
Genome position (GRCh38, 1-based): chr3:87,245,805, C>T. VCF-style: chr3-87245805-C-T. GRCh37 (hg19) VCF-style: chr3-87294955-C-T.
Other names: c.95C>T, p.Thr32Met (NM_001244644.2); short protein forms T73M, T32M.
Identifiers: ClinVar variation 346806 (VCV000346806.14), dbSNP rs192188850, ClinGen allele CA2500938.

ClinVar aggregate classification (germline): Conflicting classifications of pathogenicity. Review status: criteria provided, conflicting classifications (1 of 4 stars). 5 submissions from 5 submitters: Uncertain significance (3); Likely benign (1). 1 of the submissions does not count toward it. Last evaluated 2025-11-24.

Conditions:
CHMP2B-related disorder. Also called: CHMP2B-related condition.
Frontotemporal dementia and/or amyotrophic lateral sclerosis 7 (FTDALS7). Also called: CHMP2B-Related Frontotemporal Dementia-Amyotrophic Lateral Sclerosis; CHMP2B-related frontotemporal dementia; AMYOTROPHIC LATERAL SCLEROSIS, CHMP2B-RELATED; Amyotrophic lateral sclerosis 17. Identifiers: Orphanet 275864, Orphanet 282, Orphanet 803, MedGen C1833296, MONDO:0010936, OMIM 600795.

Allele frequency attached by ClinVar (database versions not stated): ExAC 0.00003; gnomAD exomes 0.00003 and 0.00004; ESP Exome Variant Server 0.00008; gnomAD 0.00014; 1000 Genomes Project 30x 0.00016; 1000 Genomes Project 0.00020; TOPMed 0.00041.
gnomAD v4.1: 68 of 1,613,712 alleles (0.0042%); highest among the groups gnomAD compares: Admixed American, 0.053%; no homozygotes.

Submissions (5):

Labcorp Genetics (formerly Invitae), Labcorp
Classification: Uncertain significance for Frontotemporal dementia and/or amyotrophic lateral sclerosis 7. Last evaluated: 2025-11-24. Review status: criteria provided, single submitter. Criteria: Invitae Variant Classification Sherloc (09022015). Collection method: clinical testing. Allele origin: germline.
Comment: This sequence change replaces threonine, which is neutral and polar, with methionine, which is neutral and non-polar, at codon 73 of the CHMP2B protein (p.Thr73Met). This variant is present in population databases (rs192188850, gnomAD 0.01%). This variant has not been reported in the literature in individuals affected with CHMP2B-related conditions. ClinVar contains an entry for this variant (Variation ID: 346806). An algorithm developed to predict the effect of missense changes on protein structure and function (PolyPhen-2) suggests that this variant is likely to be disruptive. In summary, the available evidence is currently insufficient to determine the role of this variant in disease. Therefore, it has been classified as a Variant of Uncertain Significance.

Mayo Clinic Laboratories, Mayo Clinic
Classification: Uncertain significance. Last evaluated: 2025-05-16. Review status: criteria provided, single submitter. Criteria: ACMG Guidelines, 2015. Collection method: clinical testing. Allele origin: germline. Observed: 2 variant alleles.
Comment: BS2

Illumina Laboratory Services, Illumina
Classification: Likely benign for Frontotemporal dementia and/or amyotrophic lateral sclerosis 7. Last evaluated: 2018-01-13. Review status: criteria provided, single submitter. Criteria: ICSL Variant Classification Criteria 13 December 2019. Collection method: clinical testing. Allele origin: germline.
Comment: This variant was observed in the ICSL laboratory as part of a predisposition screen in an ostensibly healthy population. It had not been previously curated by ICSL or reported in the Human Gene Mutation Database (HGMD: prior to June 1st, 2018), and was therefore a candidate for classification through an automated scoring system. Utilizing variant allele frequency, disease prevalence and penetrance estimates, and inheritance mode, an automated score was calculated to assess if this variant is too frequent to cause the disease. Based on the score and internal cut-off values, a variant classified as likely benign is not then subjected to further curation. The score for this variant resulted in a classification of likely benign for this disease.

Athena Diagnostics
Classification: Uncertain significance. Last evaluated: 2017-05-19. Review status: criteria provided, single submitter. Criteria: Athena Diagnostics Criteria. Collection method: clinical testing. Allele origin: germline.

PreventionGenetics, part of Exact Sciences
Classification: Uncertain significance for CHMP2B-related condition. Last evaluated: 2024-03-13. Review status: no assertion criteria provided. Collection method: clinical testing. Allele origin: germline. Not counted in ClinVar's aggregate classification.
Comment: The CHMP2B c.218C>T variant is predicted to result in the amino acid substitution p.Thr73Met. To our knowledge, this variant has not been reported in the literature. This variant is reported in 0.014% of alleles in individuals of Latino descent in gnomAD, which is more common than other known or suspected pathogenic variants in CHMP2B. Although we suspect this variant may be benign, at this time, the clinical significance is uncertain due to the absence of conclusive functional and genetic evidence.